The following is an entry in ClinVar:

NM_001199267.2(DGKZ):c.2425C>G (p.Leu809Val)

Gene: DGKZ (diacylglycerol kinase zeta; plus strand). Cytogenetic location: 11p11.2.
Variant type: single nucleotide variant.
Coding change: c.2425C>G on transcript NM_001199267.2 (MANE Select); coding-DNA position 2425, C replaced by G.
Protein change: p.Leu809Val; replaces leucine 809 with valine.
Molecular consequence: missense variant.
Genome position (GRCh38, 1-based): chr11:46,379,000, C>G. VCF-style: chr11-46379000-C-G. GRCh37 (hg19) VCF-style: chr11-46400550-C-G.
Other names: c.2992C>G, p.Leu998Val (NM_001105540.2); c.2428C>G, p.Leu810Val (NM_001199266.2, NM_003646.4); c.2359C>G, p.Leu787Val (NM_001199268.2); c.2476C>G, p.Leu826Val (NM_201532.3); c.2440C>G, p.Leu814Val (NM_201533.3); short protein forms L810V, L787V, L809V, L998V, L814V, L826V.
Identifiers: ClinVar variation 1498027 (VCV001498027.8), dbSNP rs146351680, ClinGen allele CA5963277.

ClinVar aggregate classification (germline): Uncertain significance (1 of 4 stars; one submission).

Allele frequency attached by ClinVar (database versions not stated): gnomAD 0.00002 and 0.00004; TOPMed 0.00002; ESP Exome Variant Server 0.00008; gnomAD exomes 0.00012; ExAC 0.00026.

Submission:

Labcorp Genetics (formerly Invitae), Labcorp
Classification: Uncertain significance. Last evaluated: 2021-02-15. Review status: criteria provided, single submitter. Criteria: Invitae Variant Classification Sherloc (09022015). Collection method: clinical testing. Allele origin: germline.
Comment: In summary, the available evidence is currently insufficient to determine the role of this variant in disease. Therefore, it has been classified as a Variant of Uncertain Significance. This variant is present in population databases (rs146351680, ExAC 0.04%). This sequence change replaces leucine with valine at codon 998 of the DGKZ protein (p.Leu998Val). The leucine residue is moderately conserved and there is a small physicochemical difference between leucine and valine. Algorithms developed to predict the effect of sequence changes on RNA splicing suggest that this variant may create or strengthen a splice site, but this prediction has not been confirmed by published transcriptional studies. Algorithms developed to predict the effect of missense changes on protein structure and function are either unavailable or do not agree on the potential impact of this missense change (SIFT: "Tolerated"; PolyPhen-2: "Possibly Damaging"; Align-GVGD: "Class C0"). This variant has not been reported in the literature in individuals with DGKZ-related conditions.